The following is an entry in ClinVar:

ClinVar aggregate classification (germline): Uncertain significance (1 of 4 stars; one submission).

gnomAD v4.1: 7 of 1,613,968 alleles (0.00043%); highest among the groups gnomAD compares: South Asian, 0.0077%; no homozygotes.

Submission:

CeGaT Center for Human Genetics Tuebingen
Classification: Uncertain significance. Last evaluated: 2024-04-01. Review status: criteria provided, single submitter. Criteria: CeGaT Center For Human Genetics Tuebingen Variant Classification Criteria Version 2. Collection method: clinical testing. Allele origin: germline. Affected: yes. Observed: 1 variant allele.
Comment: COL5A2: PM2, BP4

NM_000393.5(COL5A2):c.2661T>A (p.His887Gln)

Gene: COL5A2 (collagen type V alpha 2 chain; minus strand). Cytogenetic location: 2q32.2.
Variant type: single nucleotide variant.
Coding change: c.2661T>A on transcript NM_000393.5 (MANE Select); coding-DNA position 2661, T replaced by A.
Protein change: p.His887Gln; replaces histidine 887 with glutamine.
Molecular consequence: missense variant.
Genome position (GRCh38, 1-based): chr2:189,052,911, A>T on the plus strand (T>A on the coding strand, the complement: COL5A2 is on the minus strand). VCF-style: chr2-189052911-A-T. GRCh37 (hg19) VCF-style: chr2-189917637-A-T.
Other names: short protein forms H887Q.
Identifiers: ClinVar variation 3234663 (VCV003234663.20), dbSNP rs764961048, ClinGen allele CA349870874.